The following is an entry in ClinVar:

ClinVar aggregate classification (germline): Pathogenic (1 of 4 stars; one submission).

Conditions:
Blepharophimosis, ptosis, and epicanthus inversus syndrome. Identifiers: Orphanet 126, MedGen C0220663, MONDO:0007201, OMIM 110100.

Submission:

Genomic Diagnostic Laboratory, Division of Genomic Diagnostics, Children's Hospital of Philadelphia
Classification: Pathogenic for Blepharophimosis, ptosis, and epicanthus inversus syndrome. Last evaluated: 2016-11-03. Review status: criteria provided, single submitter. Criteria: DGD Variant Analysis Guidelines. Collection method: clinical testing. Allele origin: germline. Affected: yes. Observed: 1 variant allele.
Comment: Clinical Testing

NM_023067.4(FOXL2):c.173C>A (p.Ser58Ter)

Gene: FOXL2 (forkhead box L2; minus strand). Cytogenetic location: 3q22.3.
Variant type: single nucleotide variant.
Coding change: c.173C>A on transcript NM_023067.4 (MANE Select); coding-DNA position 173, C replaced by A.
Protein change: p.Ser58Ter; replaces serine 58 with a stop codon.
Molecular consequence: nonsense.
Genome position (GRCh38, 1-based): chr3:138,946,550, G>T on the plus strand (C>A on the coding strand, the complement: FOXL2 is on the minus strand). VCF-style: chr3-138946550-G-T. GRCh37 (hg19) VCF-style: chr3-138665392-G-T.
Other names: short protein forms S58*.
Identifiers: ClinVar variation 369889 (VCV000369889.1), dbSNP rs1057516142, ClinGen allele CA10654905.